The following is an entry in ClinVar:

NM_001009944.3(PKD1):c.4670G>T (p.Arg1557Leu)

Gene: PKD1 (polycystin 1, transient receptor potential channel interacting; minus strand). Cytogenetic location: 16p13.3.
Variant type: single nucleotide variant.
Coding change: c.4670G>T on transcript NM_001009944.3 (MANE Select); coding-DNA position 4670, G replaced by T.
Protein change: p.Arg1557Leu; replaces arginine 1557 with leucine.
Molecular consequence: missense variant.
Genome position (GRCh38, 1-based): chr16:2,110,497, C>A on the plus strand (G>T on the coding strand, the complement: PKD1 is on the minus strand). VCF-style: chr16-2110497-C-A. GRCh37 (hg19) VCF-style: chr16-2160498-C-A.
Other names: c.4670G>T, p.Arg1557Leu (NM_000296.4); short protein forms R1557L.
Identifiers: ClinVar variation 3367122 (VCV003367122.1).
Genomic context (GRCh38, chr16:2,110,497, plus strand): 5'-TCACTGCCGGCCTCCAGCGACGTGCTGAAGCTCACGCTCCCATTCAGGGGCACCACCGTG[C>A]GGCTTGCATTGACGACGAGCCCCCGCACGCGCCGCTTCACCGTCACATTGAGCCAGGCCT-3'
Protein context (NP_001009944.3, residues 1547-1567): RVRGLVVNAS[Arg1557Leu]TVVPLNGSVS

ClinVar aggregate classification (germline): Uncertain significance (1 of 4 stars; one submission).

Conditions:
Polycystic kidney disease, adult type (PKD1). Also called: Polycystic Kidney, Autosomal Dominant; POLYCYSTIC KIDNEY DISEASE 1 WITH OR WITHOUT POLYCYSTIC LIVER DISEASE; POLYCYSTIC KIDNEY DISEASE, ADULT, TYPE I; Polycystic Kidney Disease 1, Autosomal Dominant; Polycystic kidney disease 1; Polycystic kidney disease 1, severe. Identifiers: MedGen C3149841, MONDO:0008263, OMIM 173900.

gnomAD v4.1: 13 of 1,612,184 alleles (0.00081%); highest among the groups gnomAD compares: African/African-American, 0.0027%; no homozygotes.

Submission:

Neuberg Centre For Genomic Medicine, NCGM
Classification: Uncertain significance for Polycystic kidney disease, adult type. Last evaluated: 2023-05-20. Review status: criteria provided, single submitter. Criteria: ACMG Guidelines, 2015. Collection method: clinical testing. Allele origin: germline. Inheritance: Autosomal dominant inheritance. Affected: yes.
Comment: The observed missense c.4670G>T(p.Arg1557Leu) variant in PKD1 gene has not been reported previously as a pathogenic variant nor a benign variant, to our knowledge. The p.Arg1557Leu variant has been reported with allele frequency of 0.002% in gnomAD Exomes. This variant has not been submitted to the ClinVar database. Multiple lines of computational evidence (Polyphen - Probably damaging, SIFT - Tolerated and MutationTaster - Disease causing) predict conflicting evidence on protein structure and function for this variant. The reference amino acid is predicted as conserved by GERP++ and PhyloP across 100 vertebrates. The amino acid Arg at position 1557 is changed to a Leu changing protein sequence and it might alter its composition and physico-chemical properties. For these reasons, this variant has been classified as a Variant of Uncertain Significance (VUS).